The following is an entry in ClinVar:

NM_005422.4(TECTA):c.1106A>G (p.His369Arg)

Genes: TBCEL-TECTA (TBCEL-TECTA readthrough; plus strand), TECTA (tectorin alpha; plus strand). Cytogenetic location: 11q23.3.
Variant type: single nucleotide variant.
Coding change: c.1106A>G on transcript NM_005422.4 (MANE Select); coding-DNA position 1106, A replaced by G.
Protein change: p.His369Arg; replaces histidine 369 with arginine.
Molecular consequence: missense variant.
Genome position (GRCh38, 1-based): chr11:121,118,621, A>G. VCF-style: chr11-121118621-A-G. GRCh37 (hg19) VCF-style: chr11-120989330-A-G.
Other names: c.1106A>G (NM_005422.2); c.2063A>G, p.His688Arg (NM_001378761.1); short protein forms H369R, H688R.
Identifiers: ClinVar variation 3610877 (VCV003610877.5).

ClinVar aggregate classification (germline): Conflicting classifications of pathogenicity. Review status: criteria provided, conflicting classifications (1 of 4 stars). 4 submissions from 4 submitters: Uncertain significance (3); Benign (1). Last evaluated 2025-06-20.

Conditions:
TECTA-related disorder. Also called: TECTA-related condition.
Inborn genetic diseases. Identifiers: MedGen C0950123, MeSH D030342.

gnomAD v4.1: 8 of 1,613,968 alleles (0.0005%); highest among the groups gnomAD compares: East Asian, 0.016%; no homozygotes.

Submissions (4):

PreventionGenetics, part of Exact Sciences
Classification: Uncertain significance for TECTA-related condition. Last evaluated: 2025-06-20. Review status: criteria provided, single submitter. Criteria: ACMG Guidelines, 2015. Collection method: clinical testing. Allele origin: germline.
Comment: The TECTA c.1106A>G variant is predicted to result in the amino acid substitution p.His369Arg. To our knowledge, this variant has not been reported in the literature. This variant is reported in 0.038% of alleles in individuals of East Asian descent in gnomAD. At this time, the clinical significance of this variant is uncertain due to the absence of conclusive functional and genetic evidence.

Ambry Genetics
Classification: Uncertain significance for Inborn genetic diseases. Last evaluated: 2025-04-25. Review status: criteria provided, single submitter. Criteria: Ambry Variant Classification Scheme 2023. Collection method: clinical testing. Allele origin: germline.

GeneDx
Classification: Uncertain significance. Last evaluated: 2025-03-11. Review status: criteria provided, single submitter. Criteria: GeneDx Variant Classification Process June 2021. Collection method: clinical testing. Allele origin: germline. Affected: yes.
Comment: In silico analysis supports that this missense variant has a deleterious effect on protein structure/function; Has not been previously published as pathogenic or benign to our knowledge; This variant is associated with the following publications: (PMID: 9590290, 21520338, 31554319)

Labcorp Genetics (formerly Invitae), Labcorp
Classification: Benign. Last evaluated: 2024-10-09. Review status: criteria provided, single submitter. Criteria: Invitae Variant Classification Sherloc (09022015). Collection method: clinical testing. Allele origin: germline.